The following is an entry in ClinVar:

NM_006063.3(KLHL41):c.1580A>G (p.Glu527Gly)

Gene: KLHL41 (kelch like family member 41; plus strand). Cytogenetic location: 2q31.1.
Variant type: single nucleotide variant.
Coding change: c.1580A>G on transcript NM_006063.3 (MANE Select); coding-DNA position 1580, A replaced by G.
Protein change: p.Glu527Gly; replaces glutamic acid 527 with glycine.
Molecular consequence: missense variant.
Genome position (GRCh38, 1-based): chr2:169,520,878, A>G. VCF-style: chr2-169520878-A-G. GRCh37 (hg19) VCF-style: chr2-170377388-A-G.
Other names: short protein forms E527G.
Identifiers: ClinVar variation 1378645 (VCV001378645.6), dbSNP rs2105312517, ClinGen allele CA349179710.

ClinVar aggregate classification (germline): Uncertain significance (1 of 4 stars; one submission).

Conditions:
Nemaline myopathy 9 (NEM9). Identifiers: MedGen C3810384, MONDO:0014326, OMIM 615731.

Submission:

Labcorp Genetics (formerly Invitae), Labcorp
Classification: Uncertain significance for Nemaline myopathy 9. Last evaluated: 2021-08-30. Review status: criteria provided, single submitter. Criteria: Invitae Variant Classification Sherloc (09022015). Collection method: clinical testing. Allele origin: germline.
Comment: This sequence change replaces glutamic acid with glycine at codon 527 of the KLHL41 protein (p.Glu527Gly). The glutamic acid residue is highly conserved and there is a moderate physicochemical difference between glutamic acid and glycine. This variant is not present in population databases (ExAC no frequency). This variant has not been reported in the literature in individuals affected with KLHL41-related conditions. Algorithms developed to predict the effect of missense changes on protein structure and function (SIFT, PolyPhen-2, Align-GVGD) all suggest that this variant is likely to be disruptive. In summary, the available evidence is currently insufficient to determine the role of this variant in disease. Therefore, it has been classified as a Variant of Uncertain Significance.